The following is an entry in ClinVar:

NM_030962.4(SBF2):c.3587G>A (p.Arg1196Gln)

Gene: SBF2 (SET binding factor 2; minus strand). Cytogenetic location: 11p15.4.
Variant type: single nucleotide variant.
Coding change: c.3587G>A on transcript NM_030962.4 (MANE Select); coding-DNA position 3587, G replaced by A.
Protein change: p.Arg1196Gln; replaces arginine 1196 with glutamine.
Molecular consequence: missense variant.
Genome position (GRCh38, 1-based): chr11:9,832,289, C>T on the plus strand (G>A on the coding strand, the complement: SBF2 is on the minus strand). VCF-style: chr11-9832289-C-T. GRCh37 (hg19) VCF-style: chr11-9853836-C-T.
Other names: c.3587G>A, p.Arg1196Gln (NM_001386339.1); c.3458G>A, p.Arg1153Gln (NM_001386342.1); short protein forms R1196Q, R1153Q.
Identifiers: ClinVar variation 574315 (VCV000574315.9), dbSNP rs376309876, ClinGen allele CA217634145.

ClinVar aggregate classification (germline): Uncertain significance (1 of 4 stars; one submission).

Conditions:
Charcot-Marie-Tooth disease type 4. Also called: Charcot-Marie-Tooth, Type 4; Charcot-Marie-Tooth disease, type IV. Identifiers: Orphanet 64749, MedGen C4082197, MONDO:0018995.

Allele frequency attached by ClinVar (database versions not stated): gnomAD exomes below 0.00001; ESP Exome Variant Server 0.00008.
gnomAD v4.1: 3 of 1,614,044 alleles (0.00019%); highest among the groups gnomAD compares: Non-Finnish European, 0.00017%; no homozygotes.

Submission:

Labcorp Genetics (formerly Invitae), Labcorp
Classification: Uncertain significance for Charcot-Marie-Tooth disease type 4. Last evaluated: 2018-01-28. Review status: criteria provided, single submitter. Criteria: Invitae Variant Classification Sherloc (09022015). Collection method: clinical testing. Allele origin: germline.
Comment: In summary, the available evidence is currently insufficient to determine the role of this variant in disease. Therefore, it has been classified as a Variant of Uncertain Significance. Algorithms developed to predict the effect of missense changes on protein structure and function do not agree on the potential impact of this missense change (SIFT: "Deleterious"; PolyPhen-2: "Probably Damaging"; Align-GVGD: "Class C0"). This variant has not been reported in the literature in individuals with SBF2-related disease. This variant is not present in population databases (ExAC no frequency). This sequence change replaces arginine with glutamine at codon 1196 of the SBF2 protein (p.Arg1196Gln). The arginine residue is highly conserved and there is a small physicochemical difference between arginine and glutamine.